The following is an entry in ClinVar:

ClinVar aggregate classification (germline): Uncertain significance (1 of 4 stars; one submission).

Submission:

Labcorp Genetics (formerly Invitae), Labcorp
Classification: Uncertain significance. Last evaluated: 2023-06-13. Review status: criteria provided, single submitter. Criteria: Invitae Variant Classification Sherloc (09022015). Collection method: clinical testing. Allele origin: germline.
Comment: Advanced modeling of protein sequence and biophysical properties (such as structural, functional, and spatial information, amino acid conservation, physicochemical variation, residue mobility, and thermodynamic stability) performed at Invitae indicates that this missense variant is expected to disrupt CHD8 protein function. In summary, the available evidence is currently insufficient to determine the role of this variant in disease. Therefore, it has been classified as a Variant of Uncertain Significance. This variant has not been reported in the literature in individuals affected with CHD8-related conditions. This variant is not present in population databases (gnomAD no frequency). This sequence change replaces leucine, which is neutral and non-polar, with proline, which is neutral and non-polar, at codon 1584 of the CHD8 protein (p.Leu1584Pro).

NM_001170629.2(CHD8):c.4751T>C (p.Leu1584Pro)

Gene: CHD8 (chromodomain helicase DNA binding protein 8; minus strand). Cytogenetic location: 14q11.2.
Variant type: single nucleotide variant.
Coding change: c.4751T>C on transcript NM_001170629.2 (MANE Select); coding-DNA position 4751, T replaced by C.
Protein change: p.Leu1584Pro; replaces leucine 1584 with proline.
Molecular consequence: missense variant.
Genome position (GRCh38, 1-based): chr14:21,400,047, A>G on the plus strand (T>C on the coding strand, the complement: CHD8 is on the minus strand). VCF-style: chr14-21400047-A-G. GRCh37 (hg19) VCF-style: chr14-21868206-A-G.
Other names: c.3914T>C, p.Leu1305Pro (NM_020920.4); short protein forms L1305P, L1584P.
Identifiers: ClinVar variation 2710241 (VCV002710241.3), dbSNP rs2501886593, ClinGen allele CA388890223.